The following is an entry in ClinVar:

ClinVar aggregate classification (germline): Uncertain significance (1 of 4 stars; one submission).

Allele frequency attached by ClinVar (database versions not stated): gnomAD 0.00001; gnomAD exomes 0.00001; TOPMed 0.00003.
gnomAD v4.1: 8 of 1,551,544 alleles (0.00052%); highest among the groups gnomAD compares: Admixed American, 0.016%; no homozygotes.

Submission:

Labcorp Genetics (formerly Invitae), Labcorp
Classification: Uncertain significance. Last evaluated: 2024-05-06. Review status: criteria provided, single submitter. Criteria: Invitae Variant Classification Sherloc (09022015). Collection method: clinical testing. Allele origin: germline.
Comment: This sequence change replaces leucine, which is neutral and non-polar, with valine, which is neutral and non-polar, at codon 1241 of the GREB1L protein (p.Leu1241Val). This variant is present in population databases (no rsID available, gnomAD 0.02%). This variant has not been reported in the literature in individuals affected with GREB1L-related conditions. ClinVar contains an entry for this variant (Variation ID: 1914844). An algorithm developed to predict the effect of missense changes on protein structure and function (PolyPhen-2) suggests that this variant is likely to be disruptive. In summary, the available evidence is currently insufficient to determine the role of this variant in disease. Therefore, it has been classified as a Variant of Uncertain Significance.

NM_001142966.3(GREB1L):c.3721C>G (p.Leu1241Val)

Gene: GREB1L (GREB1 like retinoic acid receptor coactivator; plus strand). Cytogenetic location: 18q11.2.
Variant type: single nucleotide variant.
Coding change: c.3721C>G on transcript NM_001142966.3 (MANE Select); coding-DNA position 3721, C replaced by G.
Protein change: p.Leu1241Val; replaces leucine 1241 with valine.
Molecular consequence: missense variant.
Genome position (GRCh38, 1-based): chr18:21,500,058, C>G. VCF-style: chr18-21500058-C-G. GRCh37 (hg19) VCF-style: chr18-19080019-C-G.
Other names: c.3394C>G, p.Leu1132Val (NM_001410868.1); c.3850C>G, p.Leu1284Val (NM_001410867.1); short protein forms L1284V, L1132V, L1241V.
Identifiers: ClinVar variation 1914844 (VCV001914844.5), dbSNP rs1488787597, ClinGen allele CA401751274.